The following is an entry in ClinVar:

NM_001378969.1(KCND3):c.1745A>G (p.Glu582Gly)

Gene: KCND3 (potassium voltage-gated channel subfamily D member 3; minus strand). Cytogenetic location: 1p13.2.
Variant type: single nucleotide variant.
Coding change: c.1745A>G on transcript NM_001378969.1 (MANE Select); coding-DNA position 1745, A replaced by G.
Protein change: p.Glu582Gly; replaces glutamic acid 582 with glycine.
Molecular consequence: missense variant.
Genome position (GRCh38, 1-based): chr1:111,777,047, T>C on the plus strand (A>G on the coding strand, the complement: KCND3 is on the minus strand). VCF-style: chr1-111777047-T-C. GRCh37 (hg19) VCF-style: chr1-112319669-T-C.
Other names: c.1688A>G, p.Glu563Gly (NM_001378970.1, NM_172198.3); c.1745A>G, p.Glu582Gly (NM_004980.5); short protein forms E563G, E582G.
Identifiers: ClinVar variation 1356558 (VCV001356558.8), dbSNP rs2101456005, ClinGen allele CA341656380.

ClinVar aggregate classification (germline): Uncertain significance (1 of 4 stars; one submission).

Conditions:
Spinocerebellar ataxia type 19/22 (SCA19). Also called: SPINOCEREBELLAR ATAXIA 19; SPINOCEREBELLAR ATAXIA 22. Identifiers: Orphanet 98772, MedGen C1846367, MONDO:0011819, OMIM 607346.

Submission:

Labcorp Genetics (formerly Invitae), Labcorp
Classification: Uncertain significance for Spinocerebellar ataxia type 19/22. Last evaluated: 2020-12-08. Review status: criteria provided, single submitter. Criteria: Invitae Variant Classification Sherloc (09022015). Collection method: clinical testing. Allele origin: germline.
Comment: This sequence change replaces glutamic acid with glycine at codon 582 of the KCND3 protein (p.Glu582Gly). The glutamic acid residue is moderately conserved and there is a moderate physicochemical difference between glutamic acid and glycine. This variant is not present in population databases (ExAC no frequency). This variant has not been reported in the literature in individuals with KCND3-related conditions. Algorithms developed to predict the effect of missense changes on protein structure and function are either unavailable or do not agree on the potential impact of this missense change (SIFT: "Deleterious"; PolyPhen-2: "Benign"; Align-GVGD: "Class C0"). In summary, the available evidence is currently insufficient to determine the role of this variant in disease. Therefore, it has been classified as a Variant of Uncertain Significance.